The following is an entry in ClinVar:

ClinVar aggregate classification (germline): Uncertain significance. Review status: criteria provided, multiple submitters, no conflicts (2 of 4 stars). 2 submissions from 2 submitters: Uncertain significance (2). Last evaluated 2025-11-25.

Conditions:
Inborn genetic diseases. Identifiers: MedGen C0950123, MeSH D030342.
Agammaglobulinemia 4, autosomal recessive (AGM4). Also called: AGAMMAGLOBULINEMIA, AUTOSOMAL RECESSIVE, DUE TO BLNK DEFECT; B cell linker protein deficiency. Identifiers: MedGen C3150752, MONDO:0013289, OMIM 613502.

Allele frequency attached by ClinVar (database versions not stated): gnomAD exomes 0.00001; gnomAD 0.00006; ExAC 0.00001.
gnomAD v4.1: 17 of 1,613,850 alleles (0.0011%); highest among the groups gnomAD compares: Admixed American, 0.017%; no homozygotes.

Submissions (2):

Ambry Genetics
Classification: Uncertain significance for Inborn genetic diseases. Last evaluated: 2025-11-25. Review status: criteria provided, single submitter. Criteria: Ambry Variant Classification Scheme 2023. Collection method: clinical testing. Allele origin: germline.

Labcorp Genetics (formerly Invitae), Labcorp
Classification: Uncertain significance for Agammaglobulinemia 4, autosomal recessive. Last evaluated: 2022-02-11. Review status: criteria provided, single submitter. Criteria: Invitae Variant Classification Sherloc (09022015). Collection method: clinical testing. Allele origin: germline.
Comment: This sequence change replaces proline, which is neutral and non-polar, with arginine, which is basic and polar, at codon 199 of the BLNK protein (p.Pro199Arg). This variant is present in population databases (rs781980711, gnomAD 0.006%). This variant has not been reported in the literature in individuals affected with BLNK-related conditions. ClinVar contains an entry for this variant (Variation ID: 651369). Algorithms developed to predict the effect of missense changes on protein structure and function (SIFT, PolyPhen-2, Align-GVGD) all suggest that this variant is likely to be tolerated. In summary, the available evidence is currently insufficient to determine the role of this variant in disease. Therefore, it has been classified as a Variant of Uncertain Significance.

NM_013314.4(BLNK):c.596C>G (p.Pro199Arg)

Gene: BLNK (B cell linker; minus strand). Cytogenetic location: 10q24.1.
Variant type: single nucleotide variant.
Coding change: c.596C>G on transcript NM_013314.4 (MANE Select); coding-DNA position 596, C replaced by G.
Protein change: p.Pro199Arg; replaces proline 199 with arginine.
Molecular consequence: missense variant. On other transcripts: non-coding transcript variant (4), intron variant (1).
Genome position (GRCh38, 1-based): chr10:96,216,664, G>C on the plus strand (C>G on the coding strand, the complement: BLNK is on the minus strand). VCF-style: chr10-96216664-G-C. GRCh37 (hg19) VCF-style: chr10-97976420-G-C.
Other names: c.596C>G, p.Pro199Arg (NM_001114094.2, NM_001258440.2, NM_001258441.2); c.350-1332C>G (NM_001258442.2); short protein forms P199R.
Identifiers: ClinVar variation 651369 (VCV000651369.7), dbSNP rs781980711, ClinGen allele CA5623414.